The following is an entry in ClinVar:

ClinVar aggregate classification (germline): Uncertain significance (1 of 4 stars; one submission).

Conditions:
Fanconi anemia (FA). Also called: Fanconi's anemia. Identifiers: Orphanet 84, MedGen C0015625, MeSH D005199, MONDO:0019391.

Allele frequency attached by ClinVar (database versions not stated): TOPMed below 0.00001; gnomAD 0.00001; ExAC 0.00002; gnomAD exomes 0.00002.
gnomAD v4.1: 11 of 1,613,958 alleles (0.00068%); highest among the groups gnomAD compares: East Asian, 0.025%; no homozygotes.

Submission:

Labcorp Genetics (formerly Invitae), Labcorp
Classification: Uncertain significance for Fanconi anemia. Last evaluated: 2023-11-10. Review status: criteria provided, single submitter. Criteria: Invitae Variant Classification Sherloc (09022015). Collection method: clinical testing. Allele origin: germline.
Comment: This sequence change replaces proline, which is neutral and non-polar, with glutamine, which is neutral and polar, at codon 187 of the FANCG protein (p.Pro187Gln). This variant is present in population databases (rs781721901, gnomAD 0.01%). This variant has not been reported in the literature in individuals affected with FANCG-related conditions. Advanced modeling of protein sequence and biophysical properties (such as structural, functional, and spatial information, amino acid conservation, physicochemical variation, residue mobility, and thermodynamic stability) has been performed at Invitae for this missense variant, however the output from this modeling did not meet the statistical confidence thresholds required to predict the impact of this variant on FANCG protein function. In summary, the available evidence is currently insufficient to determine the role of this variant in disease. Therefore, it has been classified as a Variant of Uncertain Significance.

NM_004629.2(FANCG):c.560C>A (p.Pro187Gln)

Gene: FANCG (FA complementation group G; minus strand). Cytogenetic location: 9p13.3.
Variant type: single nucleotide variant.
Coding change: c.560C>A on transcript NM_004629.2 (MANE Select); coding-DNA position 560, C replaced by A.
Protein change: p.Pro187Gln; replaces proline 187 with glutamine.
Molecular consequence: missense variant.
Genome position (GRCh38, 1-based): chr9:35,077,350, G>T on the plus strand (C>A on the coding strand, the complement: FANCG is on the minus strand). VCF-style: chr9-35077350-G-T. GRCh37 (hg19) VCF-style: chr9-35077347-G-T.
Other names: short protein forms P187Q.
Identifiers: ClinVar variation 2720807 (VCV002720807.2), dbSNP rs781721901, ClinGen allele CA5040008.
Genomic context (GRCh38, chr9:35,077,350, plus strand): 5'-AGGACATCCTTCAATCCCTGGGCATCCTGCAGGGTCAATGGAGCATCTAATTCCTCAGCT[G>T]GGGGACTCCAAGTTTTCAGAAGTAACAGCAGATCCTTAGAGGCTCCACTCTGGGGAAAGA-3'
Protein context (NP_004620.1, residues 177-197): LLLLLKTWSP[Pro187Gln]AEELDAPLTL